The following is an entry in ClinVar:

ClinVar aggregate classification (germline): Benign/Likely benign. Review status: criteria provided, multiple submitters, no conflicts (2 of 4 stars). 4 submissions from 4 submitters: Benign (1); Likely benign (2). 1 of the submissions does not count toward it. Last evaluated 2026-01-14.

Conditions:
Hereditary cancer-predisposing syndrome. Also called: Tumor predisposition; Hereditary neoplastic syndrome; Neoplastic Syndromes, Hereditary; Hereditary Cancer Syndrome. Identifiers: Orphanet 140162, MedGen C0027672, MeSH D009386, MONDO:0015356.
BIVM-ERCC5-related disorder. Also called: BIVM-ERCC5-related condition.

Allele frequency attached by ClinVar (database versions not stated): gnomAD exomes 0.00012 and 0.00031; ExAC 0.00035; 1000 Genomes Project 0.00060; 1000 Genomes Project 30x 0.00094; gnomAD 0.00108 and 0.00118; TOPMed 0.00132; ESP Exome Variant Server 0.00185.
gnomAD v4.1: 351 of 1,614,238 alleles (0.022%); highest among the groups gnomAD compares: African/African-American, 0.39%; no homozygotes.

Submissions (4):

Labcorp Genetics (formerly Invitae), Labcorp
Classification: Benign. Last evaluated: 2026-01-14. Review status: criteria provided, single submitter. Criteria: Invitae Variant Classification Sherloc (09022015). Collection method: clinical testing. Allele origin: germline.

Blueprint Genetics
Classification: Likely benign. Last evaluated: 2024-10-17. Review status: criteria provided, single submitter. Criteria: ACMG Guidelines, 2015. Collection method: clinical testing. Allele origin: germline.

Sema4
Classification: Likely benign for Hereditary cancer-predisposing syndrome. Last evaluated: 2021-12-29. Review status: criteria provided, single submitter. Criteria: Sema4 Curation Guidelines. Collection method: curation. Allele origin: germline.

PreventionGenetics, part of Exact Sciences
Classification: Likely benign for BIVM-ERCC5-related condition. Last evaluated: 2019-04-22. Review status: no assertion criteria provided. Collection method: clinical testing. Allele origin: germline. Not counted in ClinVar's aggregate classification.
Comment: This variant is classified as likely benign based on ACMG/AMP sequence variant interpretation guidelines (Richards et al. 2015 PMID: 25741868, with internal and published modifications).

NM_000123.4(ERCC5):c.2454G>A (p.Ala818=)

Genes: BIVM-ERCC5 (BIVM-ERCC5 readthrough; plus strand), ERCC5 (ERCC excision repair 5, endonuclease; plus strand), LOC126861834 (BRD4-independent group 4 enhancer GRCh37_chr13:103518038-103519237; plus strand). Cytogenetic location: 13q33.1.
Variant type: single nucleotide variant.
Coding change: c.2454G>A on transcript NM_000123.4 (MANE Select); coding-DNA position 2454, G replaced by A.
Protein change: p.Ala818=; no amino-acid change (alanine 818 retained).
Molecular consequence: synonymous variant.
Genome position (GRCh38, 1-based): chr13:102,866,766, G>A. VCF-style: chr13-102866766-G-A. GRCh37 (hg19) VCF-style: chr13-103519116-G-A.
Other names: c.3816G>A, p.Ala1272= (NM_001204425.2).
Identifiers: ClinVar variation 764720 (VCV000764720.10), dbSNP rs138715586, ClinGen allele CA7041644.